The following is an entry in ClinVar:

NM_003002.4(SDHD):c.194A>C (p.His65Pro)

Gene: SDHD (succinate dehydrogenase complex subunit D; plus strand). Cytogenetic location: 11q23.1.
Variant type: single nucleotide variant.
Coding change: c.194A>C on transcript NM_003002.4 (MANE Select); coding-DNA position 194, A replaced by C.
Protein change: p.His65Pro; replaces histidine 65 with proline.
Molecular consequence: missense variant. On other transcripts: non-coding transcript variant (1), intron variant (1).
Genome position (GRCh38, 1-based): chr11:112,088,891, A>C. VCF-style: chr11-112088891-A-C. GRCh37 (hg19) VCF-style: chr11-111959615-A-C.
Other names: c.77A>C, p.His26Pro (NM_001276504.2); c.194A>C, p.His65Pro (NM_001276506.2); c.169+918A>C (NM_001276503.2); short protein forms H26P, H65P.
Identifiers: ClinVar variation 3072724 (VCV003072724.1), dbSNP rs780226013, ClinGen allele CA382617198.

ClinVar aggregate classification (germline): Uncertain significance (1 of 4 stars; one submission).

Conditions:
Hereditary pheochromocytoma and paraganglioma. Also called: Hereditary pheochromocytoma-paraganglioma; Hereditary Paraganglioma-Pheochromocytoma Syndromes; Hereditary paragangliomas and pheochromocytomas. Identifiers: Orphanet 29072, MedGen C4274332, MONDO:0017366.

Submission:

All of Us Research Program, National Institutes of Health
Classification: Uncertain significance for Hereditary pheochromocytoma and paraganglioma. Last evaluated: 2023-08-15. Review status: criteria provided, single submitter. Criteria: ACMG Guidelines, 2015. Collection method: clinical testing. Allele origin: germline. Inheritance: Autosomal dominant inheritance. Observed: 1 variant allele, 1 heterozygote.
Comment: This missense variant replaces histidine with proline at codon 65 of the SDHD protein. Computational prediction suggests that this variant may have deleterious impact on protein structure and function (internally defined REVEL score threshold >= 0.7, PMID: 27666373). To our knowledge, functional studies have not been reported for this variant. This variant has not been reported in individuals affected with SDHD-related disorders in the literature. This variant has not been identified in the general population by the Genome Aggregation Database (gnomAD). The available evidence is insufficient to determine the role of this variant in disease conclusively. Therefore, this variant is classified as a Variant of Uncertain Significance.

This study involves interpretation of variants in research participants for the purpose of population health screening. Participant phenotype was not available at the time of variant classification. Additional details can be found in publication PMID: 35346344, PMCID: PMC8962531